The following is an entry in ClinVar:

NM_001040108.2(MLH3):c.4358C>T (p.Pro1453Leu)

Gene: MLH3 (mutL homolog 3; minus strand). Cytogenetic location: 14q24.3.
Variant type: single nucleotide variant.
Coding change: c.4358C>T on transcript NM_001040108.2 (MANE Select); coding-DNA position 4358, C replaced by T.
Protein change: p.Pro1453Leu; replaces proline 1453 with leucine.
Molecular consequence: missense variant.
Genome position (GRCh38, 1-based): chr14:75,017,086, G>A on the plus strand (C>T on the coding strand, the complement: MLH3 is on the minus strand). VCF-style: chr14-75017086-G-A. GRCh37 (hg19) VCF-style: chr14-75483789-G-A.
Other names: c.4286C>T, p.Pro1429Leu (NM_014381.3); short protein forms P1453L, P1429L.
Identifiers: ClinVar variation 2561657 (VCV002561657.5), dbSNP rs771027235, ClinGen allele CA7275155.

ClinVar aggregate classification (germline): Uncertain significance. Review status: criteria provided, multiple submitters, no conflicts (2 of 4 stars). 2 submissions from 2 submitters: Uncertain significance (2). Last evaluated 2023-05-18.

Conditions:
Colorectal cancer, hereditary nonpolyposis, type 7. Identifiers: Orphanet 144, MedGen C1858380, MONDO:0013725, OMIM 614385.

Allele frequency attached by ClinVar (database versions not stated): TOPMed below 0.00001; ExAC 0.00001; gnomAD exomes 0.00001.
gnomAD v4.1: 4 of 1,613,816 alleles (0.00025%); highest among the groups gnomAD compares: South Asian, 0.0033%; no homozygotes.

Submissions (2):

Ambry Genetics
Classification: Uncertain significance. Last evaluated: 2023-05-18. Review status: criteria provided, single submitter. Criteria: Ambry Variant Classification Scheme 2023. Collection method: clinical testing. Allele origin: germline.
Comment: The p.P1453L variant (also known as c.4358C>T), located in coding exon 12 of the MLH3 gene, results from a C to T substitution at nucleotide position 4358. The proline at codon 1453 is replaced by leucine, an amino acid with similar properties. This amino acid position is conserved. In addition, this alteration is predicted to be tolerated by in silico analysis. Since supporting evidence is limited at this time, the clinical significance of this alteration remains unclear.

Labcorp Genetics (formerly Invitae), Labcorp
Classification: Uncertain significance for Colorectal cancer, hereditary nonpolyposis, type 7. Last evaluated: 2023-02-27. Review status: criteria provided, single submitter. Criteria: Invitae Variant Classification Sherloc (09022015). Collection method: clinical testing. Allele origin: germline.
Comment: This sequence change replaces proline, which is neutral and non-polar, with leucine, which is neutral and non-polar, at codon 1453 of the MLH3 protein (p.Pro1453Leu). In summary, the available evidence is currently insufficient to determine the role of this variant in disease. Therefore, it has been classified as a Variant of Uncertain Significance. Algorithms developed to predict the effect of missense changes on protein structure and function output the following: SIFT: "Not Available"; PolyPhen-2: "Probably Damaging"; Align-GVGD: "Not Available". The leucine amino acid residue is found in multiple mammalian species, which suggests that this missense change does not adversely affect protein function. This variant has not been reported in the literature in individuals affected with MLH3-related conditions. This variant is present in population databases (rs771027235, gnomAD 0.003%).